The following is an entry in ClinVar:

ClinVar aggregate classification (germline): Conflicting classifications of pathogenicity. Review status: criteria provided, conflicting classifications (1 of 4 stars). 2 submissions from 2 submitters: Uncertain significance (1); Benign (1). Last evaluated 2025-09-16.

Conditions:
Hereditary cancer-predisposing syndrome. Also called: Neoplastic Syndromes, Hereditary; Tumor predisposition; Hereditary Cancer Syndrome; Hereditary neoplastic syndrome. Identifiers: Orphanet 140162, MedGen C0027672, MeSH D009386, MONDO:0015356.
Familial adenomatous polyposis 2. Also called: Adenomas, multiple colorectal; MUTYH Polyposis; COLORECTAL ADENOMATOUS POLYPOSIS, AUTOSOMAL RECESSIVE; ADENOMAS, MULTIPLE COLORECTAL, AUTOSOMAL RECESSIVE; MUTYH-associated polyposis; MUTYH-related attenuated familial adenomatous polyposis. Identifiers: Orphanet 220460, Orphanet 247798, MedGen C3272841, MONDO:0012041, OMIM 608456.

Submissions (2):

Ambry Genetics
Classification: Benign for Hereditary cancer-predisposing syndrome. Last evaluated: 2025-09-16. Review status: criteria provided, single submitter. Criteria: Ambry Variant Classification Scheme 2023. Collection method: clinical testing. Allele origin: germline.

Labcorp Genetics (formerly Invitae), Labcorp
Classification: Uncertain significance for Familial adenomatous polyposis 2. Last evaluated: 2024-08-05. Review status: criteria provided, single submitter. Criteria: Invitae Variant Classification Sherloc (09022015). Collection method: clinical testing. Allele origin: germline.
Comment: This sequence change replaces glutamic acid, which is acidic and polar, with aspartic acid, which is acidic and polar, at codon 206 of the MUTYH protein (p.Glu206Asp). This variant is not present in population databases (gnomAD no frequency). This variant has not been reported in the literature in individuals affected with MUTYH-related conditions. ClinVar contains an entry for this variant (Variation ID: 947382). An algorithm developed to predict the effect of missense changes on protein structure and function outputs the following: PolyPhen-2: "Benign". The aspartic acid amino acid residue is found in multiple mammalian species, which suggests that this missense change does not adversely affect protein function. In summary, the available evidence is currently insufficient to determine the role of this variant in disease. Therefore, it has been classified as a Variant of Uncertain Significance.

NM_001048174.2(MUTYH):c.534G>C (p.Glu178Asp)

Gene: MUTYH (mutY DNA glycosylase; minus strand). Cytogenetic location: 1p34.1.
Variant type: single nucleotide variant.
Coding change: c.534G>C on transcript NM_001048174.2 (MANE Select); coding-DNA position 534, G replaced by C.
Protein change: p.Glu178Asp; replaces glutamic acid 178 with aspartic acid.
Molecular consequence: missense variant. On other transcripts: non-coding transcript variant (2).
Genome position (GRCh38, 1-based): chr1:45,332,646, C>G on the plus strand (G>C on the coding strand, the complement: MUTYH is on the minus strand). VCF-style: chr1-45332646-C-G. GRCh37 (hg19) VCF-style: chr1-45798318-C-G.
Other names: c.534G>C, p.Glu178Asp (NM_001048171.2, NM_001048173.2, NM_001293195.2); c.537G>C, p.Glu179Asp (NM_001048172.2); c.618G>C, p.Glu206Asp (NM_001128425.2); c.579G>C, p.Glu193Asp (NM_001293190.2); c.567G>C, p.Glu189Asp (NM_001293191.2); c.258G>C, p.Glu86Asp (NM_001293192.2, NM_001293196.2); c.189G>C, p.Glu63Asp (NM_001350650.2, NM_001350651.2); c.609G>C, p.Glu203Asp (NM_012222.3); short protein forms E179D, E193D, E203D, E206D, E86D, E178D, E189D, E63D.
Identifiers: ClinVar variation 947382 (VCV000947382.13), dbSNP rs1645149413, ClinGen allele CA340135390.
Genomic context (GRCh38, chr1:45,332,646, plus strand): 5'-GATAGAGGCAATGGCCCCAGCTGTGTAGCGCCCCACGCCAGGCAGGAGCTGCTGCAGGGT[C>G]TCTGCTGTACGTGGCATGTGGCCCCCTAGCTCCTCTACCACCTGATTGGAGTGCAAGACT-3'
Protein context (NP_001041639.1, residues 168-188): ELGGHMPRTA[Glu178Asp]TLQQLLPGVG